The following is an entry in ClinVar:

NM_000038.6(APC):c.646-3277T>C

Gene: APC (APC regulator of WNT signaling pathway; plus strand). Cytogenetic location: 5q22.2.
Variant type: single nucleotide variant.
Coding change: c.646-3277T>C on transcript NM_000038.6 (MANE Select); 3277 bases into the intron before coding-DNA position 646, T replaced by C.
Molecular consequence: intron variant.
Genome position (GRCh38, 1-based): chr5:112,789,169, T>C. VCF-style: chr5-112789169-T-C. GRCh37 (hg19) VCF-style: chr5-112124866-T-C.
Other names: c.646-3277T>C (NM_001354895.2, NM_001127510.3, NM_001354896.2 and 1 more transcripts); c.676-3277T>C (NM_001354897.2, NM_001354902.2); c.675+8266T>C (NM_001127511.3); c.571-3277T>C (NM_001354898.2, NM_001354904.2); c.-390-3277T>C (NM_001354906.2); c.645+8266T>C (NM_001354899.2); c.469-3277T>C (NM_001354900.2, NM_001354901.2, NM_001354905.2).
Identifiers: ClinVar variation 82468 (VCV000082468.2), dbSNP rs75751638, ClinGen allele CA011842.

ClinVar aggregate classification (germline): other (0 of 4 stars; one submission).

Conditions:
Familial colorectal cancer. Identifiers: MedGen CN280943, MONDO:0023113. Disease mechanism: loss of function.

Submission:

Systems Biology Platform Zhejiang California International NanoSystems Institute
Classification: other for Familial colorectal cancer. Review status: no assertion criteria provided. Collection method: not provided. Allele origin: unknown.
ClinVar note: Converted during submission from cancer to other.